The following is an entry in ClinVar:

ClinVar aggregate classification (germline): Likely pathogenic (1 of 4 stars; one submission).

Submission:

GeneDx
Classification: Likely pathogenic. Last evaluated: 2023-10-04. Review status: criteria provided, single submitter. Criteria: GeneDx Variant Classification Process June 2021. Collection method: clinical testing. Allele origin: germline. Affected: yes.
Comment: Not observed at significant frequency in large population cohorts (gnomAD); In silico analysis supports that this missense variant has a deleterious effect on protein structure/function; This variant is associated with the following publications: (PMID: 32383558, 24762593)

NM_000218.3(KCNQ1):c.1034G>T (p.Gly345Val)

Gene: KCNQ1 (potassium voltage-gated channel subfamily Q member 1; plus strand). Cytogenetic location: 11p15.5.
Variant type: single nucleotide variant.
Coding change: c.1034G>T on transcript NM_000218.3 (MANE Select); coding-DNA position 1034, G replaced by T.
Protein change: p.Gly345Val; replaces glycine 345 with valine.
Molecular consequence: missense variant. On other transcripts: intron variant (2).
Genome position (GRCh38, 1-based): chr11:2,585,213, G>T. VCF-style: chr11-2585213-G-T. GRCh37 (hg19) VCF-style: chr11-2606443-G-T.
Other names: c.764G>T, p.Gly255Val (NM_001406837.1); c.653G>T, p.Gly218Val (NM_181798.2); c.1032+1668G>T (NM_001406836.1); c.588+1668G>T (NM_001406838.1); short protein forms G218V, G255V, G345V.
Identifiers: ClinVar variation 3338779 (VCV003338779.1).
Genomic context (GRCh38, chr11:2,585,213, plus strand): 5'-GCTGCACCCAGCTGGCAGTGGCCTGTGTGGACGGGAGCCTCCTGTCCATTCCTTCCCAGG[G>T]GATTCTTGGCTCGGGGTTTGCCCTGAAGGTGCAGCAGAAGCAGAGGCAGAAGCACTTCAA-3'
Protein context (NP_000209.2, residues 335-355): FAISFFALPA[Gly345Val]ILGSGFALKV